The following is an entry in ClinVar:

NM_001360016.2(G6PD):c.811G>C (p.Val271Leu)

Gene: G6PD (glucose-6-phosphate dehydrogenase; minus strand). Cytogenetic location: Xq28.
Variant type: single nucleotide variant.
Coding change: c.811G>C on transcript NM_001360016.2 (MANE Select); coding-DNA position 811, G replaced by C.
Protein change: p.Val271Leu; replaces valine 271 with leucine.
Molecular consequence: missense variant.
Genome position (GRCh38, 1-based): chrX:154,533,629, C>G on the plus strand (G>C on the coding strand, the complement: G6PD is on the minus strand). VCF-style: chrX-154533629-C-G. GRCh37 (hg19) VCF-style: chrX-153761844-C-G.
Other names: G6PD Roubaix; c.901G>C, p.Val301Leu (NM_000402.4); c.811G>C, p.Val271Leu (NM_001042351.3); short protein forms V271L, V301L.
Identifiers: ClinVar variation 1722759 (VCV001722759.2), dbSNP rs2523265547, ClinGen allele CA415235272.
Genomic context (GRCh38, chrX:154,533,629, plus strand): 5'-CCCCTACCTTCTCATCACGGACGTCATCTGAGTTGGTGGAGGCGGGCTTCTCCATGGCCA[C>G]CAGACACAGCATCTGCAGTAGGTGGTTCTGCATCACGTCCCTGGGGACGGAAGAGGCCAG-3'
Protein context (NP_001346945.1, residues 261-281): QNHLLQMLCL[Val271Leu]AMEKPASTNS

ClinVar aggregate classification (germline): Likely pathogenic (1 of 4 stars; one submission).

Conditions:
Anemia, nonspherocytic hemolytic, due to G6PD deficiency (CNSHA1). Also called: Hemolytic anemia due to G6PD deficiency; Class I glucose-6-phosphate dehydrogenase deficiency; Favism, susceptibility to; ANEMIA, CONGENITAL, NONSPHEROCYTIC HEMOLYTIC, 1. Identifiers: Orphanet 466026, MedGen C2720289, MONDO:0010480, OMIM 300908.

Submission:

Dunham Lab, University of Washington
Classification: Likely pathogenic for Anemia, nonspherocytic hemolytic, due to G6PD deficiency. Last evaluated: 2022-08-12. Review status: criteria provided, single submitter. Criteria: Bayesian ACMG Guidelines, 2018. Collection method: curation. Allele origin: maternal. Affected: yes.
Comment: Decreased activity in red blood cells of proband (PS3). Not found in gnomAD (PM2). Post_P 0.975 (odds of pathogenicity 350.3, Prior_P 0.1).

Literature cited by the submitters: PubMed 22139979.